The following is an entry in ClinVar:

NM_025114.4(CEP290):c.441+1876C>G

Gene: CEP290 (centrosomal protein 290; minus strand). Cytogenetic location: 12q21.32.
Variant type: single nucleotide variant.
Coding change: c.441+1876C>G on transcript NM_025114.4 (MANE Select); 1876 bases into the intron after coding-DNA position 441, C replaced by G.
Molecular consequence: intron variant.
Genome position (GRCh38, 1-based): chr12:88,134,767, G>C on the plus strand (C>G on the coding strand, the complement: CEP290 is on the minus strand). VCF-style: chr12-88134767-G-C. GRCh37 (hg19) VCF-style: chr12-88528544-G-C.
Identifiers: ClinVar variation 4538188 (VCV004538188.1).

ClinVar aggregate classification (germline): Uncertain significance (1 of 4 stars; one submission).

gnomAD v4.1: 1 of 152,148 alleles (0.00066%); highest among the groups gnomAD compares: Admixed American, 0.0065%; no homozygotes.

Submission:

Greenwood Genetic Center Diagnostic Laboratories, Greenwood Genetic Center
Classification: Uncertain significance. Last evaluated: 2025-04-28. Review status: criteria provided, single submitter. Criteria: ACMG Guidelines, 2015. Collection method: clinical testing. Allele origin: germline. Affected: yes.
Comment: PM2, PM3_Supporting, BP4